The following is an entry in ClinVar:

NM_001042492.3(NF1):c.8210C>A (p.Ala2737Asp)

Gene: NF1 (neurofibromin 1; plus strand). Cytogenetic location: 17q11.2.
Variant type: single nucleotide variant.
Coding change: c.8210C>A on transcript NM_001042492.3 (MANE Select); coding-DNA position 8210, C replaced by A.
Protein change: p.Ala2737Asp; replaces alanine 2737 with aspartic acid.
Molecular consequence: missense variant.
Genome position (GRCh38, 1-based): chr17:31,360,536, C>A. VCF-style: chr17-31360536-C-A. GRCh37 (hg19) VCF-style: chr17-29687554-C-A.
Other names: c.8147C>A, p.Ala2716Asp (NM_000267.4); short protein forms A2716D, A2737D.
Identifiers: ClinVar variation 1042910 (VCV001042910.5), dbSNP rs1264511763, ClinGen allele CA399204534.

ClinVar aggregate classification (germline): Likely pathogenic (1 of 4 stars; one submission).

Conditions:
Neurofibromatosis, type 1 (NF1). Also called: VON RECKLINGHAUSEN DISEASE; NEUROFIBROMATOSIS, TYPE I, SOMATIC; Peripheral type neurofibromatosis; Neurofibromatosis, type I. Identifiers: Orphanet 636, MedGen C0027831, MONDO:0018975, OMIM 162200. Disease mechanism: loss of function.

Submission:

Labcorp Genetics (formerly Invitae), Labcorp
Classification: Likely pathogenic for Neurofibromatosis, type 1. Last evaluated: 2021-04-27. Review status: criteria provided, single submitter. Criteria: Invitae Variant Classification Sherloc (09022015). Collection method: clinical testing. Allele origin: germline.
Comment: This variant has been observed in individual(s) with clinical features of neurofibromatosis type 1 (Invitae). This variant is not present in population databases (ExAC no frequency). This sequence change replaces alanine with aspartic acid at codon 2716 of the NF1 protein (p.Ala2716Asp). The alanine residue is moderately conserved and there is a moderate physicochemical difference between alanine and aspartic acid. Advanced modeling of protein sequence and biophysical properties (such as structural, functional, and spatial information, amino acid conservation, physicochemical variation, residue mobility, and thermodynamic stability) performed at Invitae indicates that this missense variant is expected to disrupt NF1 protein function. In summary, the currently available evidence indicates that the variant is pathogenic, but additional data are needed to prove that conclusively. Therefore, this variant has been classified as Likely Pathogenic.